The following is an entry in ClinVar:

NM_000384.3(APOB):c.11434G>A (p.Glu3812Lys)

Gene: APOB (apolipoprotein B; minus strand). Cytogenetic location: 2p24.1.
Variant type: single nucleotide variant.
Coding change: c.11434G>A on transcript NM_000384.3 (MANE Select); coding-DNA position 11434, G replaced by A.
Protein change: p.Glu3812Lys; replaces glutamic acid 3812 with lysine.
Molecular consequence: missense variant.
Genome position (GRCh38, 1-based): chr2:21,005,434, C>T on the plus strand (G>A on the coding strand, the complement: APOB is on the minus strand). VCF-style: chr2-21005434-C-T. GRCh37 (hg19) VCF-style: chr2-21228306-C-T.
Other names: short protein forms E3812K.
Identifiers: ClinVar variation 3415804 (VCV003415804.1).

ClinVar aggregate classification (germline): Uncertain significance (1 of 4 stars; one submission).

Conditions:
Cardiovascular phenotype. Identifiers: MedGen CN230736.

gnomAD v4.1: 3 of 1,613,784 alleles (0.00019%); highest among the groups gnomAD compares: Non-Finnish European, 0.00025%; no homozygotes.

Submission:

Ambry Genetics
Classification: Uncertain significance for Cardiovascular phenotype. Last evaluated: 2024-08-19. Review status: criteria provided, single submitter. Criteria: Ambry Variant Classification Scheme 2023. Collection method: clinical testing. Allele origin: germline.
Comment: The p.E3812K variant (also known as c.11434G>A), located in coding exon 26 of the APOB gene, results from a G to A substitution at nucleotide position 11434. The glutamic acid at codon 3812 is replaced by lysine, an amino acid with similar properties. This amino acid position is conserved. In addition, this alteration is predicted to be tolerated by in silico analysis. Based on the available evidence, the clinical significance of this variant remains unclear.